The following is an entry in ClinVar:

ClinVar aggregate classification (germline): Likely pathogenic (1 of 4 stars; one submission).

Allele frequency attached by ClinVar (database versions not stated): gnomAD exomes below 0.00001.
gnomAD v4.1: 1 of 1,570,348 alleles (0.000064%); highest among the groups gnomAD compares: Admixed American, 0.0017%; no homozygotes.

Submission:

Labcorp Genetics (formerly Invitae), Labcorp
Classification: Likely pathogenic. Last evaluated: 2024-02-02. Review status: criteria provided, single submitter. Criteria: Invitae Variant Classification Sherloc (09022015). Collection method: clinical testing. Allele origin: germline.
Comment: This sequence change affects an acceptor splice site in intron 13 of the ERCC6 gene. It is expected to disrupt RNA splicing. Variants that disrupt the donor or acceptor splice site typically lead to a loss of protein function (PMID: 16199547), and loss-of-function variants in ERCC6 are known to be pathogenic (PMID: 18628313, 29572252). This variant is not present in population databases (gnomAD no frequency). This variant has not been reported in the literature in individuals affected with ERCC6-related conditions. ClinVar contains an entry for this variant (Variation ID: 1066484). Algorithms developed to predict the effect of sequence changes on RNA splicing suggest that this variant may disrupt the consensus splice site. In summary, the currently available evidence indicates that the variant is pathogenic, but additional data are needed to prove that conclusively. Therefore, this variant has been classified as Likely Pathogenic.

Literature cited by the submitters: PubMed 16199547; PubMed 18628313; PubMed 29572252.

NM_000124.4(ERCC6):c.2599-1G>C

Gene: ERCC6 (ERCC excision repair 6, chromatin remodeling factor; minus strand). Cytogenetic location: 10q11.23.
Variant type: single nucleotide variant.
Coding change: c.2599-1G>C on transcript NM_000124.4 (MANE Select); the canonical splice acceptor site of the intron before coding-DNA position 2599, G replaced by C.
Molecular consequence: splice acceptor variant.
Genome position (GRCh38, 1-based): chr10:49,473,588, C>G on the plus strand (G>C on the coding strand, the complement: ERCC6 is on the minus strand). VCF-style: chr10-49473588-C-G. GRCh37 (hg19) VCF-style: chr10-50681634-C-G.
Other names: c.2599-1G>C (NM_001346440.2).
Identifiers: ClinVar variation 1066484 (VCV001066484.7), dbSNP rs2132541141, ClinGen allele CA376720433.